The following is an entry in ClinVar:

NM_001319074.4(RAX2):c.*191C>T

Gene: RAX2 (retina and anterior neural fold homeobox 2; minus strand). Cytogenetic location: 19p13.3.
Variant type: single nucleotide variant.
Coding change: c.*191C>T on transcript NM_001319074.4 (MANE Select); 191 bases downstream of the stop codon, C replaced by T.
Molecular consequence: 3 prime UTR variant.
Genome position (GRCh38, 1-based): chr19:3,770,430, G>A on the plus strand (C>T on the coding strand, the complement: RAX2 is on the minus strand). VCF-style: chr19-3770430-G-A. GRCh37 (hg19) VCF-style: chr19-3770428-G-A.
Other names: c.*191C>T (NM_032753.4).
Identifiers: ClinVar variation 328962 (VCV000328962.6), dbSNP rs150808899, ClinGen allele CA10651803.

ClinVar aggregate classification (germline): Benign/Likely benign. Review status: criteria provided, multiple submitters, no conflicts (2 of 4 stars). 3 submissions from 2 submitters: Benign (1); Likely benign (2). Last evaluated 2018-01-13.

Conditions:
Cone-rod dystrophy 11 (CORD11). Identifiers: Orphanet 1872, MedGen C1835865, MONDO:0012483, OMIM 610381.
Age related macular degeneration 6. Identifiers: MedGen C3151060, MONDO:0013406, OMIM 613757.

Allele frequency attached by ClinVar (database versions not stated): gnomAD exomes 0.00088; gnomAD 0.00099 and 0.00100; TOPMed 0.00108; 1000 Genomes Project 30x 0.00156; 1000 Genomes Project 0.00160.

Submissions (3):

Illumina Laboratory Services, Illumina
Classification: Benign for Cone-rod dystrophy 11. Last evaluated: 2018-01-13. Review status: criteria provided, single submitter. Criteria: ICSL Variant Classification Criteria 13 December 2019. Collection method: clinical testing. Allele origin: germline.
Comment: This variant was observed in the ICSL laboratory as part of a predisposition screen in an ostensibly healthy population. It had not been previously curated by ICSL or reported in the Human Gene Mutation Database (HGMD: prior to June 1st, 2018), and was therefore a candidate for classification through an automated scoring system. Utilizing variant allele frequency, disease prevalence and penetrance estimates, and inheritance mode, an automated score was calculated to assess if this variant is too frequent to cause the disease. Based on the score and internal cut-off values, a variant classified as benign is not then subjected to further curation. The score for this variant resulted in a classification of benign for this disease.

Illumina Laboratory Services, Illumina
Classification: Likely benign for Age related macular degeneration 6. Last evaluated: 2018-01-13. Review status: criteria provided, single submitter. Criteria: ICSL Variant Classification Criteria 13 December 2019. Collection method: clinical testing. Allele origin: germline.
Comment: This variant was observed in the ICSL laboratory as part of a predisposition screen in an ostensibly healthy population. It had not been previously curated by ICSL or reported in the Human Gene Mutation Database (HGMD: prior to June 1st, 2018), and was therefore a candidate for classification through an automated scoring system. Utilizing variant allele frequency, disease prevalence and penetrance estimates, and inheritance mode, an automated score was calculated to assess if this variant is too frequent to cause the disease. Based on the score and internal cut-off values, a variant classified as likely benign is not then subjected to further curation. The score for this variant resulted in a classification of likely benign for this disease.

Breakthrough Genomics
Classification: Likely benign. Review status: criteria provided, single submitter. Criteria: ACMG Guidelines, 2015. Collection method: not provided. Allele origin: germline. Inheritance: Autosomal recessive inheritance. Affected: yes.